The following is an entry in ClinVar:

NM_006059.4(LAMC3):c.2382dup (p.Gly795fs)

Gene: LAMC3 (laminin subunit gamma 3; plus strand). Cytogenetic location: 9q34.12.
Variant type: Duplication.
Coding change: c.2382dup on transcript NM_006059.4 (MANE Select); coding-DNA position 2382, one base duplicated (T; older notation c.2382dupT).
Protein change: p.Gly795fs; shifts the reading frame from glycine 795.
Molecular consequence: frameshift variant.
Genome position (GRCh38, 1-based): chr9:131,066,994, T duplicated; the last of 6 consecutive T bases (chr9:131,066,989-131,066,994); duplicating any one gives the same sequence. VCF-style (leftmost placement, unchanged base first): chr9-131066988-C-CT. GRCh37 (hg19) VCF-style: chr9-133942375-C-CT.
Other names: short protein forms G795fs.
Identifiers: ClinVar variation 1429559 (VCV001429559.6), dbSNP rs2133312126, ClinGen allele CA2573144092.

ClinVar aggregate classification (germline): Pathogenic (1 of 4 stars; one submission).

Submission:

Labcorp Genetics (formerly Invitae), Labcorp
Classification: Pathogenic. Last evaluated: 2022-07-19. Review status: criteria provided, single submitter. Criteria: Invitae Variant Classification Sherloc (09022015). Collection method: clinical testing. Allele origin: germline.
Comment: For these reasons, this variant has been classified as Pathogenic. ClinVar contains an entry for this variant (Variation ID: 1429559). This variant has not been reported in the literature in individuals affected with LAMC3-related conditions. This variant is not present in population databases (gnomAD no frequency). This sequence change creates a premature translational stop signal (p.Gly795Trpfs*19) in the LAMC3 gene. It is expected to result in an absent or disrupted protein product. Loss-of-function variants in LAMC3 are known to be pathogenic (PMID: 21572413, 26802095).

Literature cited by the submitters: PubMed 21572413; PubMed 26802095.